The following is an entry in ClinVar:

NM_000111.3(SLC26A3):c.1101T>G (p.Tyr367Ter)

Gene: SLC26A3 (solute carrier family 26 member 3; minus strand). Cytogenetic location: 7q22.3.
Variant type: single nucleotide variant.
Coding change: c.1101T>G on transcript NM_000111.3 (MANE Select); coding-DNA position 1101, T replaced by G.
Protein change: p.Tyr367Ter; replaces tyrosine 367 with a stop codon.
Molecular consequence: nonsense.
Genome position (GRCh38, 1-based): chr7:107,783,223, A>C on the plus strand (T>G on the coding strand, the complement: SLC26A3 is on the minus strand). VCF-style: chr7-107783223-A-C. GRCh37 (hg19) VCF-style: chr7-107423668-A-C.
Other names: short protein forms Y367*.
Identifiers: ClinVar variation 2878725 (VCV002878725.3), dbSNP rs1395417660, ClinGen allele CA368852009.

ClinVar aggregate classification (germline): Pathogenic (1 of 4 stars; one submission).

Submission:

Labcorp Genetics (formerly Invitae), Labcorp
Classification: Pathogenic. Last evaluated: 2023-04-28. Review status: criteria provided, single submitter. Criteria: Invitae Variant Classification Sherloc (09022015). Collection method: clinical testing. Allele origin: germline.
Comment: This variant has not been reported in the literature in individuals affected with SLC26A3-related conditions. This sequence change creates a premature translational stop signal (p.Tyr367*) in the SLC26A3 gene. It is expected to result in an absent or disrupted protein product. Loss-of-function variants in SLC26A3 are known to be pathogenic (PMID: 9718329, 21394828). This variant is not present in population databases (gnomAD no frequency). For these reasons, this variant has been classified as Pathogenic.

Literature cited by the submitters: PubMed 9718329; PubMed 21394828.